The following is an entry in ClinVar:

ClinVar aggregate classification (germline): Likely benign (1 of 4 stars; one submission).

Conditions:
NRP2-related disorder. Also called: NRP2-related condition.

Submission:

PreventionGenetics, part of Exact Sciences
Classification: Likely benign for NRP2-related condition. Last evaluated: 2026-01-14. Review status: criteria provided, single submitter. Criteria: ACMG Guidelines, 2015. Collection method: clinical testing. Allele origin: germline.
Comment: This variant is classified as likely benign based on ACMG/AMP sequence variant interpretation guidelines (Richards et al. 2015 PMID: 25741868, with internal and published modifications).

NM_003872.3(NRP2):c.1470A>C (p.Val490=)

Gene: NRP2 (neuropilin 2; plus strand). Cytogenetic location: 2q33.3.
Variant type: single nucleotide variant.
Coding change: c.1470A>C on transcript NM_003872.3 (MANE Select); coding-DNA position 1470, A replaced by C.
Protein change: p.Val490=; no amino-acid change (valine 490 retained).
Molecular consequence: synonymous variant.
Genome position (GRCh38, 1-based): chr2:205,743,381, A>C. VCF-style: chr2-205743381-A-C. GRCh37 (hg19) VCF-style: chr2-206608105-A-C.
Other names: c.1470A>C, p.Val490= (NM_018534.4, NM_201264.2, NM_201266.2 and 2 more transcripts).
Identifiers: ClinVar variation 4987750 (VCV004987750.1).